The following is an entry in ClinVar:

ClinVar aggregate classification (germline): Uncertain significance (1 of 4 stars; one submission).

Conditions:
Glycine encephalopathy. Also called: Nonketotic hyperglycinemia; Non-ketotic hyperglycinemia. Identifiers: Orphanet 407, MedGen C0751748, MONDO:0011612, HP:0008288.

Submission:

Labcorp Genetics (formerly Invitae), Labcorp
Classification: Uncertain significance for Glycine encephalopathy. Last evaluated: 2021-07-01. Review status: criteria provided, single submitter. Criteria: Invitae Variant Classification Sherloc (09022015). Collection method: clinical testing. Allele origin: germline.
Comment: This variant has not been reported in the literature in individuals with GLDC-related conditions. Advanced modeling of protein sequence and biophysical properties (such as structural, functional, and spatial information, amino acid conservation, physicochemical variation, residue mobility, and thermodynamic stability) performed at Invitae indicates that this missense variant is not expected to disrupt GLDC protein function. In summary, the available evidence is currently insufficient to determine the role of this variant in disease. Therefore, it has been classified as a Variant of Uncertain Significance. This variant is not present in population databases (ExAC no frequency). This sequence change replaces glutamic acid with aspartic acid at codon 281 of the GLDC protein (p.Glu281Asp). The glutamic acid residue is weakly conserved and there is a small physicochemical difference between glutamic acid and aspartic acid.

NM_000170.3(GLDC):c.843G>T (p.Glu281Asp)

Gene: GLDC (glycine decarboxylase; minus strand). Cytogenetic location: 9p24.1.
Variant type: single nucleotide variant.
Coding change: c.843G>T on transcript NM_000170.3 (MANE Select); coding-DNA position 843, G replaced by T.
Protein change: p.Glu281Asp; replaces glutamic acid 281 with aspartic acid.
Molecular consequence: missense variant.
Genome position (GRCh38, 1-based): chr9:6,605,149, C>A on the plus strand (G>T on the coding strand, the complement: GLDC is on the minus strand). VCF-style: chr9-6605149-C-A. GRCh37 (hg19) VCF-style: chr9-6605149-C-A.
Other names: short protein forms E281D.
Identifiers: ClinVar variation 1390277 (VCV001390277.8), dbSNP rs1563857008, ClinGen allele CA372896298.